The following is an entry in ClinVar:

NM_001127222.2(CACNA1A):c.1382A>C (p.Lys461Thr)

Gene: CACNA1A (calcium voltage-gated channel subunit alpha1 A; minus strand). Cytogenetic location: 19p13.13.
Variant type: single nucleotide variant.
Coding change: c.1382A>C on transcript NM_001127222.2 (MANE Select); coding-DNA position 1382, A replaced by C.
Protein change: p.Lys461Thr; replaces lysine 461 with threonine.
Molecular consequence: missense variant.
Genome position (GRCh38, 1-based): chr19:13,317,285, T>G on the plus strand (A>C on the coding strand, the complement: CACNA1A is on the minus strand). VCF-style: chr19-13317285-T-G. GRCh37 (hg19) VCF-style: chr19-13428099-T-G.
Other names: c.1385A>C, p.Lys462Thr (NM_000068.4, NM_001127221.2, NM_001174080.2 and 1 more transcripts); short protein forms K461T, K462T.
Identifiers: ClinVar variation 2576754 (VCV002576754.2), dbSNP rs540195260, ClinGen allele CA9240823.

ClinVar aggregate classification (germline): Uncertain significance (1 of 4 stars; one submission).

Allele frequency attached by ClinVar (database versions not stated): ExAC 0.00001; gnomAD 0.00001; 1000 Genomes Project 30x 0.00016; 1000 Genomes Project 0.00020.
gnomAD v4.1: 6 of 1,610,490 alleles (0.00037%); highest among the groups gnomAD compares: Non-Finnish European, 0.00051%; no homozygotes.

Submission:

GeneDx
Classification: Uncertain significance. Last evaluated: 2025-07-29. Review status: criteria provided, single submitter. Criteria: GeneDx Variant Classification Process June 2021. Collection method: clinical testing. Allele origin: germline.
Comment: Not observed at significant frequency in large population cohorts (gnomAD); In silico analysis supports that this missense variant has a deleterious effect on protein structure/function; Has not been previously published as pathogenic or benign to our knowledge